The following is an entry in ClinVar:

NM_001080517.3(SETD5):c.3330_3331inv (p.Gly1111Ser)

Gene: SETD5 (SET domain containing 5; plus strand). Cytogenetic location: 3p25.3.
Variant type: Inversion.
Coding change: c.3330_3331inv on transcript NM_001080517.3 (MANE Select).
Protein change: p.Gly1111Ser; replaces glycine 1111 with serine.
Molecular consequence: missense variant.
Genome position: GRCh38 VCF-style: chr3-9473370-TG-CA. GRCh37 (hg19) VCF-style: chr3-9515054-TG-CA.
Other names: c.3036_3037inv, p.Gly1013Ser (NM_001292043.2, NM_001349451.2); c.3330_3331delinsCA (NM_001080517.3); short protein forms G1013S, G1111S.
Identifiers: ClinVar variation 3768489 (VCV003768489.1).
Genomic context (GRCh38, chr3:9,473,370, plus strand): 5'-ACAGAGCAAAAGCAAGTCTGCAGGAGCTGGGCAAGGCAGCAGTAACTCCGTTTCCGACAC[TG>CA]GTGCCCATGGTGTGCAGGGATCCTCAGCCCGAACTCCATCTTCCCCTCACAAAAAATTCT-3'
Protein context (NP_001073986.1, residues 1101-1121): QGSSNSVSDT[Gly1111Ser]AHGVQGSSAR

ClinVar aggregate classification (germline): Uncertain significance (1 of 4 stars; one submission).

Submission:

Women's Health and Genetics/Laboratory Corporation of America, LabCorp
Classification: Uncertain significance. Last evaluated: 2024-12-23. Review status: criteria provided, single submitter. Criteria: LabCorp Variant Classification Summary - May 2015. Collection method: clinical testing. Allele origin: germline.
Comment: Variant summary: SETD5 c.3330_3331delinsCA (p.Gly1111Ser) results in a non-conservative amino acid change in the encoded protein sequence. Four of five in-silico tools predict a benign effect of the variant on protein function. The variant was absent in 280534 control chromosomes (gnomAD). The available data on variant occurrences in the general population are insufficient to allow any conclusion about variant significance. To our knowledge, no occurrence of c.3330_3331delinsCA in individuals affected with Mental Retardation, Autosomal Dominant 23 and no experimental evidence demonstrating its impact on protein function have been reported. No submitters have cited clinical-significance assessments for this variant to ClinVar. Based on the evidence outlined above, the variant was classified as uncertain significance.